The following is an entry in ClinVar:

NM_001304438.2(TMEM132E):c.2555C>T (p.Pro852Leu)

Gene: TMEM132E (transmembrane protein 132E; plus strand). Cytogenetic location: 17q12.
Variant type: single nucleotide variant.
Coding change: c.2555C>T on transcript NM_001304438.2 (MANE Select); coding-DNA position 2555, C replaced by T.
Protein change: p.Pro852Leu; replaces proline 852 with leucine.
Molecular consequence: missense variant.
Genome position (GRCh38, 1-based): chr17:34,637,562, C>T. VCF-style: chr17-34637562-C-T. GRCh37 (hg19) VCF-style: chr17-32964581-C-T.
Other names: c.2555C>T (NM_001304438.1); short protein forms P852L.
Identifiers: ClinVar variation 1652194 (VCV001652194.10), dbSNP rs369150277, ClinGen allele CA8496988.

ClinVar aggregate classification (germline): Benign/Likely benign. Review status: criteria provided, multiple submitters, no conflicts (2 of 4 stars). 3 submissions from 3 submitters: Benign (1); Likely benign (1). 1 of the submissions does not count toward it. Last evaluated 2025-06-27.

Conditions:
TMEM132E-related disorder. Also called: TMEM132E-related condition.

Allele frequency attached by ClinVar (database versions not stated): gnomAD exomes 0.00010 and 0.00016; ExAC 0.00021; 1000 Genomes Project 30x 0.00062; ESP Exome Variant Server 0.00064; 1000 Genomes Project 0.00080; gnomAD 0.00098 and 0.00108; TOPMed 0.00106.
gnomAD v4.1: 309 of 1,599,578 alleles (0.019%); highest among the groups gnomAD compares: African/African-American, 0.36%; 1 homozygote.

Submissions (3):

Labcorp Genetics (formerly Invitae), Labcorp
Classification: Likely benign. Last evaluated: 2025-06-27. Review status: criteria provided, single submitter. Criteria: Invitae Variant Classification Sherloc (09022015). Collection method: clinical testing. Allele origin: germline.

Blueprint Genetics
Classification: Benign. Last evaluated: 2024-11-13. Review status: criteria provided, single submitter. Criteria: ACMG Guidelines, 2015. Collection method: clinical testing. Allele origin: germline.

PreventionGenetics, part of Exact Sciences
Classification: Likely benign for TMEM132E-related condition. Last evaluated: 2024-08-14. Review status: no assertion criteria provided. Collection method: clinical testing. Allele origin: germline. Not counted in ClinVar's aggregate classification.
Comment: This variant is classified as likely benign based on ACMG/AMP sequence variant interpretation guidelines (Richards et al. 2015 PMID: 25741868, with internal and published modifications).